The following is an entry in ClinVar:

ClinVar aggregate classification (germline): Uncertain significance (1 of 4 stars; one submission).

Conditions:
Bloom syndrome (BLM). Also called: Bloom-Torre-Machacek syndrome. Identifiers: Orphanet 125, MedGen C0005859, MONDO:0008876, OMIM 210900.

gnomAD v4.1: 1 of 1,614,172 alleles (0.000062%); highest among the groups gnomAD compares: Non-Finnish European, 0.000085%; no homozygotes.

Submission:

Labcorp Genetics (formerly Invitae), Labcorp
Classification: Uncertain significance for Bloom syndrome. Last evaluated: 2023-09-19. Review status: criteria provided, single submitter. Criteria: Invitae Variant Classification Sherloc (09022015). Collection method: clinical testing. Allele origin: germline.
Comment: This sequence change replaces alanine, which is neutral and non-polar, with glycine, which is neutral and non-polar, at codon 1392 of the BLM protein (p.Ala1392Gly). This variant is not present in population databases (gnomAD no frequency). This variant has not been reported in the literature in individuals affected with BLM-related conditions. ClinVar contains an entry for this variant (Variation ID: 1465968). An algorithm developed to predict the effect of missense changes on protein structure and function (PolyPhen-2) suggests that this variant is likely to be tolerated. In summary, the available evidence is currently insufficient to determine the role of this variant in disease. Therefore, it has been classified as a Variant of Uncertain Significance.

NM_000057.4(BLM):c.4175C>G (p.Ala1392Gly)

Gene: BLM (BLM RecQ like helicase; plus strand). Cytogenetic location: 15q26.1.
Variant type: single nucleotide variant.
Coding change: c.4175C>G on transcript NM_000057.4 (MANE Select); coding-DNA position 4175, C replaced by G.
Protein change: p.Ala1392Gly; replaces alanine 1392 with glycine.
Molecular consequence: missense variant.
Genome position (GRCh38, 1-based): chr15:90,815,200, C>G. VCF-style: chr15-90815200-C-G. GRCh37 (hg19) VCF-style: chr15-91358430-C-G.
Other names: c.4175C>G, p.Ala1392Gly (NM_001287246.2); c.3782C>G, p.Ala1261Gly (NM_001287247.2); c.3050C>G, p.Ala1017Gly (NM_001287248.2); short protein forms A1017G, A1261G, A1392G.
Identifiers: ClinVar variation 1465968 (VCV001465968.8), dbSNP rs1397394866, ClinGen allele CA393852481.
Genomic context (GRCh38, chr15:90,815,200, plus strand): 5'-AATCCTCCAGCATCATTGGATCCAGTTCAGCCTCACATACTTCTCAAGCGACATCAGGAG[C>G]CAATAGCAAATTGGGGATTATGGCTCCACCGAAGCCTATAAATAGACCGTTTCTTAAGCC-3'
Protein context (NP_000048.1, residues 1382-1402): ASHTSQATSG[Ala1392Gly]NSKLGIMAPP